The following is an entry in ClinVar:

NM_000377.3(WAS):c.464-3C>T

Gene: WAS (WASP actin nucleation promoting factor; plus strand). Cytogenetic location: Xp11.23.
Variant type: single nucleotide variant.
Coding change: c.464-3C>T on transcript NM_000377.3 (MANE Select); 3 bases into the intron before coding-DNA position 464, C replaced by T.
Molecular consequence: intron variant.
Genome position (GRCh38, 1-based): chrX:48,685,943, C>T. VCF-style: chrX-48685943-C-T. GRCh37 (hg19) VCF-style: chrX-48544332-C-T.
Other names: c.464-3C>T (NM_001438879.1, NM_001438877.1, NM_001438878.1 and 1 more transcripts).
Identifiers: ClinVar variation 4687715 (VCV004687715.1).

ClinVar aggregate classification (germline): Uncertain significance (1 of 4 stars; one submission).

Submission:

Women's Health and Genetics/Laboratory Corporation of America, LabCorp
Classification: Uncertain significance. Last evaluated: 2025-10-27. Review status: criteria provided, single submitter. Criteria: LabCorp Variant Classification Summary - May 2015. Collection method: clinical testing. Allele origin: germline.
Comment: Variant summary: WAS c.464-3C>T alters a conserved nucleotide located close to a canonical splice site and therefore could affect mRNA splicing, leading to a significantly altered protein sequence. Consensus agreement among computation tools predict no significant impact on normal splicing. However, these predictions have yet to be confirmed by functional studies. The variant was absent in 183275 control chromosomes (gnomAD). The available data on variant occurrences in the general population are insufficient to allow any conclusion about variant significance. To our knowledge, no occurrence of c.464-3C>T in individuals affected with WAS-related conditions and no experimental evidence demonstrating its impact on protein function have been reported. No submitters have cited clinical-significance assessments for this variant to ClinVar. Based on the evidence outlined above, the variant was classified as uncertain significance.